The following is an entry in ClinVar:

NM_000051.4(ATM):c.3338T>C (p.Leu1113Ser)

Gene: ATM (ATM serine/threonine kinase; plus strand). Cytogenetic location: 11q22.3.
Variant type: single nucleotide variant.
Coding change: c.3338T>C on transcript NM_000051.4 (MANE Select); coding-DNA position 3338, T replaced by C.
Protein change: p.Leu1113Ser; replaces leucine 1113 with serine.
Molecular consequence: missense variant.
Genome position (GRCh38, 1-based): chr11:108,279,544, T>C. VCF-style: chr11-108279544-T-C. GRCh37 (hg19) VCF-style: chr11-108150271-T-C.
Other names: c.3338T>C, p.Leu1113Ser (NM_001351834.2); short protein forms L1113S.
Identifiers: ClinVar variation 660523 (VCV000660523.8), dbSNP rs1591632166, ClinGen allele CA382517583.

ClinVar aggregate classification (germline): Uncertain significance (1 of 4 stars; one submission).

Conditions:
Ataxia-telangiectasia syndrome (AT). Also called: Ataxia-telangiectasia, complementation group D; AT, COMPLEMENTATION GROUP C; Ataxia telangiectasia (A-T); Cerebello-oculocutaneous telangiectasia; Immunodeficiency with ataxia telangiectasia; ATAXIA-TELANGIECTASIA, COMPLEMENTATION GROUP A. Identifiers: Orphanet 100, MedGen C0004135, MONDO:0008840, OMIM 208900.

Submission:

Labcorp Genetics (formerly Invitae), Labcorp
Classification: Uncertain significance for Ataxia-telangiectasia syndrome. Last evaluated: 2018-09-21. Review status: criteria provided, single submitter. Criteria: Invitae Variant Classification Sherloc (09022015). Collection method: clinical testing. Allele origin: germline.
Comment: This sequence change replaces leucine with serine at codon 1113 of the ATM protein (p.Leu1113Ser). The leucine residue is moderately conserved and there is a large physicochemical difference between leucine and serine. This variant is not present in population databases (ExAC no frequency). This variant has not been reported in the literature in individuals with ATM-related disease. Algorithms developed to predict the effect of missense changes on protein structure and function are either unavailable or do not agree on the potential impact of this missense change (SIFT: "Tolerated"; PolyPhen-2: "Possibly Damaging"; Align-GVGD: "Class C0"). In summary, the available evidence is currently insufficient to determine the role of this variant in disease. Therefore, it has been classified as a Variant of Uncertain Significance.